The following is an entry in ClinVar:

ClinVar aggregate classification (germline): Benign. Review status: criteria provided, multiple submitters, no conflicts (2 of 4 stars). 4 submissions from 3 submitters: Benign (4). Last evaluated 2025-06-13.

Conditions:
Alopecia universalis congenita (ALUNC). Also called: ATRICHIA, GENERALIZED. Identifiers: Orphanet 701, MedGen C1859877, MONDO:0008757, OMIM 203655.
Atrichia with papular lesions (APL). Also called: PAPULAR ATRICHIA. Identifiers: Orphanet 86819, MedGen C1859592, MONDO:0008847, OMIM 209500.

Allele frequency attached by ClinVar (database versions not stated): gnomAD exomes 0.00053 and 0.00143; ExAC 0.00159; gnomAD 0.00506 and 0.00542; TOPMed 0.00558; ESP Exome Variant Server 0.00584; 1000 Genomes Project 0.00779; 1000 Genomes Project 30x 0.00828.
gnomAD v4.1: 1,570 of 1,613,780 alleles (0.097%); highest among the groups gnomAD compares: African/African-American, 1.8%; 12 homozygotes.

Submissions (4):

Labcorp Genetics (formerly Invitae), Labcorp
Classification: Benign. Last evaluated: 2025-06-13. Review status: criteria provided, single submitter. Criteria: Invitae Variant Classification Sherloc (09022015). Collection method: clinical testing. Allele origin: germline.

Illumina Laboratory Services, Illumina
Classification: Benign for Atrichia with papular lesions. Last evaluated: 2018-01-12. Review status: criteria provided, single submitter. Criteria: ICSL Variant Classification Criteria 13 December 2019. Collection method: clinical testing. Allele origin: germline.
Comment: This variant was observed in the ICSL laboratory as part of a predisposition screen in an ostensibly healthy population. It had not been previously curated by ICSL or reported in the Human Gene Mutation Database (HGMD: prior to June 1st, 2018), and was therefore a candidate for classification through an automated scoring system. Utilizing variant allele frequency, disease prevalence and penetrance estimates, and inheritance mode, an automated score was calculated to assess if this variant is too frequent to cause the disease. Based on the score and internal cut-off values, a variant classified as benign is not then subjected to further curation. The score for this variant resulted in a classification of benign for this disease.

Illumina Laboratory Services, Illumina
Classification: Benign for Alopecia universalis congenita. Last evaluated: 2018-01-12. Review status: criteria provided, single submitter. Criteria: ICSL Variant Classification Criteria 13 December 2019. Collection method: clinical testing. Allele origin: germline.
Comment: the same text as in the submission from Illumina Laboratory Services, Illumina above.

Breakthrough Genomics
Classification: Benign. Review status: criteria provided, single submitter. Criteria: ACMG Guidelines, 2015. Collection method: not provided. Allele origin: germline. Inheritance: Autosomal recessive inheritance. Affected: yes.

NM_005144.5(HR):c.2617T>C (p.Leu873=)

Gene: HR (HR lysine demethylase and nuclear receptor corepressor; minus strand). Cytogenetic location: 8p21.3.
Variant type: single nucleotide variant.
Coding change: c.2617T>C on transcript NM_005144.5 (MANE Select); coding-DNA position 2617, T replaced by C.
Protein change: p.Leu873=; no amino-acid change (leucine 873 retained).
Molecular consequence: synonymous variant.
Genome position (GRCh38, 1-based): chr8:22,120,501, A>G on the plus strand (T>C on the coding strand, the complement: HR is on the minus strand). VCF-style: chr8-22120501-A-G. GRCh37 (hg19) VCF-style: chr8-21978014-A-G.
Other names: c.2617T>C, p.Leu873= (NM_018411.4).
Identifiers: ClinVar variation 362488 (VCV000362488.10), dbSNP rs116376389, ClinGen allele CA4662053.
Genomic context (GRCh38, chr8:22,120,501, plus strand): 5'-CCCCAAGAGCTTCTGTCCCCCACAGGTTGCCCTGCAATGTCCTTTGGATCCCTGACACCA[A>G]CACAGGCTGTGGTGGGAAAGGAAGGAGGCCATGAGGAGAATGGCCAGGGTGCCCGCCATG-3'
Protein context (NP_005135.2, residues 863-883): QEHWRQGQPV[Leu873=]VSGIQRTLQG